The following is an entry in ClinVar:

NM_001281775.3(ZMYND8):c.1964dup (p.Pro656fs)

Gene: ZMYND8 (zinc finger MYND-type containing 8; minus strand). Cytogenetic location: 20q13.12.
Variant type: Duplication.
Coding change: c.1964dup on transcript NM_001281775.3 (MANE Select); coding-DNA position 1964, one base duplicated (A; older notation c.1964dupA).
Protein change: p.Pro656fs; shifts the reading frame from proline 656.
Molecular consequence: frameshift variant.
Genome position (GRCh38, 1-based): chr20:47,246,328, T duplicated on the plus strand (A on the coding strand, the reverse complement: ZMYND8 is on the minus strand); the first of 8 consecutive T bases (chr20:47,246,328-47,246,335); duplicating any one gives the same sequence. VCF-style (leftmost placement, unchanged base first): chr20-47246327-C-CT. GRCh37 (hg19) VCF-style: chr20-45875071-C-CT.
Other names: c.1889dup, p.Pro631fs (NM_001281771.3, NM_001281777.3, NM_001281778.3 and 2 more transcripts); c.1904dup, p.Pro636fs (NM_001281772.3, NM_001281773.3, NM_001281774.3 and 1 more transcripts); c.1964dup, p.Pro656fs (NM_001281776.3, NM_001281783.3, NM_012408.6 and 1 more transcripts); c.1160dup, p.Pro388fs (NM_001281779.3, NM_001281780.3); c.1748dup, p.Pro584fs (NM_001281781.3, NM_001281784.3); c.1985dup, p.Pro663fs (NM_001363714.1); c.1985dupA (NM_001363714.1); short protein forms P388fs, P584fs, P631fs, P636fs, P656fs, P663fs.
Identifiers: ClinVar variation 3024541 (VCV003024541.4), dbSNP rs776813452, ClinGen allele CA9893513.

ClinVar aggregate classification (germline): Conflicting classifications of pathogenicity. Review status: criteria provided, conflicting classifications (1 of 4 stars). 2 submissions from 2 submitters: Likely pathogenic (1); Uncertain significance (1). Last evaluated 2024-10-23.

Conditions:
ZMYND8-related disorder. Also called: ZMYND8-related condition.
ZMYND8-associated neurodevelopmental disorder.

Submissions (2):

PreventionGenetics, part of Exact Sciences
Classification: Likely pathogenic for ZMYND8-related condition. Last evaluated: 2024-10-23. Review status: criteria provided, single submitter. Criteria: ACMG Guidelines, 2015. Collection method: clinical testing. Allele origin: germline.
Comment: The ZMYND8 c.1985dupA variant is predicted to result in a frameshift and premature protein termination (p.Pro663Alafs*10). This variant can also be described as c.1964dup based on transcript NM_001281775. It has been reported to have occurred de novo in at least one individual with autism spectrum disorder (Table S1, Kaplanis et al. 2020. PubMed ID: 33057194; Table S1, Satterstrom et al. 2020. PubMed ID: 31981491; Table S5E, Trost et al. 2022. PubMed ID: 36368308). This variant has not been reported in a large population database, indicating it is rare. Frameshift variants in ZMYND8 are expected to be pathogenic. This variant is interpreted as likely pathogenic.

Institute of Human Genetics, University of Leipzig Medical Center
Classification: Uncertain significance for ZMYND8-associated neurodevelopmental disorder. Last evaluated: 2024-02-28. Review status: criteria provided, single submitter. Criteria: ACMG Guidelines, 2015. Collection method: clinical testing. Allele origin: unknown. Inheritance: Autosomal dominant inheritance. Affected: yes.
Comment: Criteria applied: PVS1,BS2

Literature cited by the submitters: PubMed 35916866 (cited by Institute of Human Genetics, University of Leipzig Medical Center).